The following is an entry in ClinVar:

ClinVar aggregate classification (germline): Uncertain significance (1 of 4 stars; one submission).

Conditions:
Familial hypocalciuric hypercalcemia (FHH). Also called: Familial benign hypercalcemia. Identifiers: Orphanet 405, MedGen C1809471, MONDO:0018458.
Autosomal dominant hypocalcemia 1 (HYPOC1). Also called: HYPOCALCEMIA, FAMILIAL. Identifiers: MedGen C3715128, MONDO:0011013, OMIM 601198.

Allele frequency attached by ClinVar (database versions not stated): gnomAD exomes below 0.00001; TOPMed below 0.00001; gnomAD 0.00001 and 0.00003.
gnomAD v4.1: 8 of 1,614,144 alleles (0.0005%); highest among the groups gnomAD compares: African/African-American, 0.008%; no homozygotes.

Submission:

Labcorp Genetics (formerly Invitae), Labcorp
Classification: Uncertain significance for Familial hypocalciuric hypercalcemia; Autosomal dominant hypocalcemia 1. Last evaluated: 2025-05-27. Review status: criteria provided, single submitter. Criteria: Invitae Variant Classification Sherloc (09022015). Collection method: clinical testing. Allele origin: germline.
Comment: This sequence change replaces proline, which is neutral and non-polar, with threonine, which is neutral and polar, at codon 951 of the CASR protein (p.Pro951Thr). This variant is not present in population databases (gnomAD no frequency). This variant has not been reported in the literature in individuals affected with CASR-related conditions. ClinVar contains an entry for this variant (Variation ID: 532581). An algorithm developed to predict the effect of missense changes on protein structure and function (PolyPhen-2) suggests that this variant is likely to be tolerated. In summary, the available evidence is currently insufficient to determine the role of this variant in disease. Therefore, it has been classified as a Variant of Uncertain Significance.

NM_000388.4(CASR):c.2851C>A (p.Pro951Thr)

Gene: CASR (calcium sensing receptor; plus strand). Cytogenetic location: 3q21.1.
Variant type: single nucleotide variant.
Coding change: c.2851C>A on transcript NM_000388.4 (MANE Select); coding-DNA position 2851, C replaced by A.
Protein change: p.Pro951Thr; replaces proline 951 with threonine.
Molecular consequence: missense variant.
Genome position (GRCh38, 1-based): chr3:122,284,805, C>A. VCF-style: chr3-122284805-C-A. GRCh37 (hg19) VCF-style: chr3-122003652-C-A.
Other names: c.2881C>A, p.Pro961Thr (NM_001178065.2); short protein forms P951T, P961T.
Identifiers: ClinVar variation 532581 (VCV000532581.9), dbSNP rs4987051, ClinGen allele CA82749313.